The following is an entry in ClinVar:

ClinVar aggregate classification (germline): Pathogenic (1 of 4 stars; one submission).

Conditions:
Breast-ovarian cancer, familial, susceptibility to, 2 (BROVCA2). Also called: BRCA2 Hereditary Breast and Ovarian Cancer. Identifiers: Orphanet 145, MedGen C2675520, MONDO:0012933, OMIM 612555. Disease mechanism: loss of function.

Submission:

Dasa
Classification: Pathogenic for Breast-ovarian cancer, familial, susceptibility to, 2. Last evaluated: 2025-04-25. Review status: criteria provided, single submitter. Criteria: DASA Assertion Criteria. Collection method: clinical testing. Allele origin: germline.
Comment: NM_000059.4(BRCA2):c.1629_1632del (p.His543Glnfs*14) is a frameshift variant in BRCA2 predicted to alter the reading frame and introduce a premature termination codon and is predicted to result in an absent or altered protein product. Loss of function is an established disease mechanism for BRCA2 (PMID: 16199546; PMID: 17063271; PMID: 25632310). The affected residue or protein region has prior evidence supporting clinical relevance. Also, this variant is absent from population databases. Based on the currently available evidence, this variant is classified as pathogenic.

Literature cited by the submitters: PubMed 16199546; PubMed 17063271; PubMed 25632310.

NM_000059.4(BRCA2):c.1629_1632del (p.His543fs)

Gene: BRCA2 (BRCA2 DNA repair associated; plus strand). Cytogenetic location: 13q13.1.
Variant type: Deletion.
Coding change: c.1629_1632del on transcript NM_000059.4 (MANE Select); coding-DNA positions 1629 to 1632, 4 bases deleted (TACT; older notation c.1629_1632delTACT).
Protein change: p.His543fs; shifts the reading frame from histidine 543.
Molecular consequence: frameshift variant. On other transcripts: non-coding transcript variant (1), intron variant (1).
Genome position (GRCh38, 1-based): chr13:32,333,107-32,333,110, TACT deleted. VCF-style (leftmost placement, unchanged base first): chr13-32333106-ATACT-A. GRCh37 (hg19) VCF-style: chr13-32907243-ATACT-A.
Other names: c.1629_1632del, p.His543fs (NM_001406719.1, NM_001406720.1, NM_001406721.1 and 1 more transcripts); c.424+2077_424+2080del (NM_001406722.1); short protein forms H543fs.
Identifiers: ClinVar variation 4883747 (VCV004883747.2).